The following is an entry in ClinVar:

NM_001244008.2(KIF1A):c.3289C>G (p.Leu1097Val)

Gene: KIF1A (kinesin family member 1A; minus strand). Cytogenetic location: 2q37.3.
Variant type: single nucleotide variant.
Coding change: c.3289C>G on transcript NM_001244008.2 (MANE Select); coding-DNA position 3289, C replaced by G.
Protein change: p.Leu1097Val; replaces leucine 1097 with valine.
Molecular consequence: missense variant.
Genome position (GRCh38, 1-based): chr2:240,745,823, G>C on the plus strand (C>G on the coding strand, the complement: KIF1A is on the minus strand). VCF-style: chr2-240745823-G-C. GRCh37 (hg19) VCF-style: chr2-241685240-G-C.
Other names: c.3013C>G, p.Leu1005Val (NM_001320705.2, NM_001330289.2, NM_001379638.1); c.3088C>G, p.Leu1030Val (NM_001330290.2, NM_001379634.1, NM_001379635.1 and 1 more transcripts); c.3364C>G, p.Leu1122Val (NM_001379631.1); c.3238C>G, p.Leu1080Val (NM_001379632.1); c.3262C>G, p.Leu1088Val (NM_001379633.1, NM_001379642.1, NM_001379645.1); c.2986C>G, p.Leu996Val (NM_001379636.1, NM_001379639.1, NM_001379641.1 and 6 more transcripts); c.3061C>G, p.Leu1021Val (NM_001379637.1, NM_001379648.1); c.2983C>G, p.Leu995Val (NM_001379640.1); short protein forms L1005V, L1021V, L1030V, L1080V, L1088V, L1097V, L1122V, L995V.
Identifiers: ClinVar variation 1719038 (VCV001719038.6), dbSNP rs2537289909, ClinGen allele CA351318082.

ClinVar aggregate classification (germline): Uncertain significance (1 of 4 stars; one submission).

Conditions:
Hereditary spastic paraplegia 30. Identifiers: Orphanet 101010, MedGen C5235139, MONDO:0012476.
Neuropathy, hereditary sensory, type 2C. Also called: Hereditary sensory and autonomic neuropathy type IIC; KIF1A-Related HSAN2 (HSAN2C). Identifiers: Orphanet 970, MedGen C3280168, MONDO:0013634, OMIM 614213.
Intellectual disability, autosomal dominant 9 (NESCAVS). Also called: NESCAV SYNDROME; KIF1A-Related Neurodevelopmental Disorder. Identifiers: Orphanet 662367, MedGen C5393830, MONDO:0013656, OMIM 614255.

Allele frequency attached by ClinVar (database versions not stated): gnomAD exomes below 0.00001.
gnomAD v4.1: 1 of 1,612,938 alleles (0.000062%); highest among the groups gnomAD compares: Non-Finnish European, 0.000085%; no homozygotes.

Submission:

Labcorp Genetics (formerly Invitae), Labcorp
Classification: Uncertain significance for Hereditary spastic paraplegia 30; Neuropathy, hereditary sensory, type 2C; Intellectual disability, autosomal dominant 9. Last evaluated: 2022-09-09. Review status: criteria provided, single submitter. Criteria: Invitae Variant Classification Sherloc (09022015). Collection method: clinical testing. Allele origin: germline.
Comment: This variant is not present in population databases (gnomAD no frequency). This sequence change replaces leucine, which is neutral and non-polar, with valine, which is neutral and non-polar, at codon 996 of the KIF1A protein (p.Leu996Val). This variant has not been reported in the literature in individuals affected with KIF1A-related conditions. Advanced modeling of protein sequence and biophysical properties (such as structural, functional, and spatial information, amino acid conservation, physicochemical variation, residue mobility, and thermodynamic stability) performed at Invitae indicates that this missense variant is not expected to disrupt KIF1A protein function. In summary, the available evidence is currently insufficient to determine the role of this variant in disease. Therefore, it has been classified as a Variant of Uncertain Significance.